The following is an entry in ClinVar:

NM_003664.5(AP3B1):c.3044A>G (p.Gln1015Arg)

Gene: AP3B1 (adaptor related protein complex 3 subunit beta 1; minus strand). Cytogenetic location: 5q14.1.
Variant type: single nucleotide variant.
Coding change: c.3044A>G on transcript NM_003664.5 (MANE Select); coding-DNA position 3044, A replaced by G.
Protein change: p.Gln1015Arg; replaces glutamine 1015 with arginine.
Molecular consequence: missense variant.
Genome position (GRCh38, 1-based): chr5:78,015,497, T>C on the plus strand (A>G on the coding strand, the complement: AP3B1 is on the minus strand). VCF-style: chr5-78015497-T-C. GRCh37 (hg19) VCF-style: chr5-77311321-T-C.
Other names: c.2897A>G, p.Gln966Arg (NM_001271769.2); c.3044A>G (NM_003664.3); short protein forms Q966R, Q1015R.
Identifiers: ClinVar variation 1508573 (VCV001508573.5), dbSNP rs780143358, ClinGen allele CA3316587.

ClinVar aggregate classification (germline): Uncertain significance. Review status: criteria provided, multiple submitters, no conflicts (2 of 4 stars). 2 submissions from 2 submitters: Uncertain significance (2). Last evaluated 2025-08-17.

Conditions:
Hermansky-Pudlak syndrome 2 (HPS2). Also called: Platelet defects and oculocutaneous albinism. Identifiers: Orphanet 183678, Orphanet 79430, MedGen C1842362, MONDO:0011997, OMIM 608233.
Inborn genetic diseases. Identifiers: MedGen C0950123, MeSH D030342.

Allele frequency attached by ClinVar (database versions not stated): ExAC 0.00001; gnomAD exomes 0.00001; TOPMed 0.00001.
gnomAD v4.1: 7 of 1,613,516 alleles (0.00043%); highest among the groups gnomAD compares: Admixed American, 0.0067%; no homozygotes.

Submissions (2):

Labcorp Genetics (formerly Invitae), Labcorp
Classification: Uncertain significance for Hermansky-Pudlak syndrome 2. Last evaluated: 2025-08-17. Review status: criteria provided, single submitter. Criteria: Invitae Variant Classification Sherloc (09022015). Collection method: clinical testing. Allele origin: germline.
Comment: This sequence change replaces glutamine, which is neutral and polar, with arginine, which is basic and polar, at codon 1015 of the AP3B1 protein (p.Gln1015Arg). This variant is present in population databases (rs780143358, gnomAD 0.009%). This variant has not been reported in the literature in individuals affected with AP3B1-related conditions. ClinVar contains an entry for this variant (Variation ID: 1508573). An algorithm developed to predict the effect of missense changes on protein structure and function (PolyPhen-2) suggests that this variant is likely to be tolerated. In summary, the available evidence is currently insufficient to determine the role of this variant in disease. Therefore, it has been classified as a Variant of Uncertain Significance.

Ambry Genetics
Classification: Uncertain significance for Inborn genetic diseases. Last evaluated: 2022-05-27. Review status: criteria provided, single submitter. Criteria: Ambry Variant Classification Scheme 2023. Collection method: clinical testing. Allele origin: germline.